The following is an entry in ClinVar:

ClinVar aggregate classification (germline): Uncertain significance (1 of 4 stars; one submission).

Conditions:
Intellectual developmental disorder, autosomal dominant 1. Also called: Intellectual disability, autosomal dominant 1; MBD5 Haploinsufficiency. Identifiers: Orphanet 228402, MedGen C1969562, MONDO:0007974, OMIM 156200.

Submission:

Labcorp Genetics (formerly Invitae), Labcorp
Classification: Uncertain significance for Intellectual developmental disorder, autosomal dominant 1. Last evaluated: 2022-06-03. Review status: criteria provided, single submitter. Criteria: Invitae Variant Classification Sherloc (09022015). Collection method: clinical testing. Allele origin: germline.
Comment: In summary, the available evidence is currently insufficient to determine the role of this variant in disease. Therefore, it has been classified as a Variant of Uncertain Significance. This sequence change replaces valine, which is neutral and non-polar, with alanine, which is neutral and non-polar, at codon 148 of the MBD5 protein (p.Val148Ala). This variant is not present in population databases (gnomAD no frequency). This variant has not been reported in the literature in individuals affected with MBD5-related conditions. Algorithms developed to predict the effect of missense changes on protein structure and function output the following: SIFT: "Tolerated"; PolyPhen-2: "Benign"; Align-GVGD: "Class C0". The alanine amino acid residue is found in multiple mammalian species, which suggests that this missense change does not adversely affect protein function.

NM_001378120.1(MBD5):c.443T>C (p.Val148Ala)

Gene: MBD5 (methyl-CpG binding domain protein 5; plus strand). Cytogenetic location: 2q23.1.
Variant type: single nucleotide variant.
Coding change: c.443T>C on transcript NM_001378120.1 (MANE Select); coding-DNA position 443, T replaced by C.
Protein change: p.Val148Ala; replaces valine 148 with alanine.
Molecular consequence: missense variant.
Genome position (GRCh38, 1-based): chr2:148,468,386, T>C. VCF-style: chr2-148468386-T-C. GRCh37 (hg19) VCF-style: chr2-149225955-T-C.
Other names: c.443T>C, p.Val148Ala (NM_018328.5); short protein forms V148A.
Identifiers: ClinVar variation 2189103 (VCV002189103.4), dbSNP rs1179220331, ClinGen allele CA348716799.